The following is an entry in ClinVar:

NM_020747.3(ZNF608):c.2298C>T (p.Pro766=)

Gene: ZNF608 (zinc finger protein 608; minus strand). Cytogenetic location: 5q23.2.
Variant type: single nucleotide variant.
Coding change: c.2298C>T on transcript NM_020747.3 (MANE Select); coding-DNA position 2298, C replaced by T.
Protein change: p.Pro766=; no amino-acid change (proline 766 retained).
Molecular consequence: synonymous variant.
Genome position (GRCh38, 1-based): chr5:124,648,086, G>A on the plus strand (C>T on the coding strand, the complement: ZNF608 is on the minus strand). VCF-style: chr5-124648086-G-A. GRCh37 (hg19) VCF-style: chr5-123983779-G-A.
Other names: c.2298C>T, p.Pro766= (NM_001385619.1, NM_001385620.1); c.1434C>T, p.Pro478= (NM_001385621.1).
Identifiers: ClinVar variation 2655665 (VCV002655665.24), dbSNP rs141314182, ClinGen allele CA3388367.

ClinVar aggregate classification (germline): Likely benign (1 of 4 stars; one submission).

Allele frequency attached by ClinVar (database versions not stated): ExAC 0.00042; ESP Exome Variant Server 0.00092; gnomAD 0.00114; TOPMed 0.00130; 1000 Genomes Project 0.00180; 1000 Genomes Project 30x 0.00203.
gnomAD v4.1: 388 of 1,614,120 alleles (0.024%); highest among the groups gnomAD compares: African/African-American, 0.47%; 1 homozygote.

Submission:

CeGaT Center for Human Genetics Tuebingen
Classification: Likely benign. Last evaluated: 2023-04-01. Review status: criteria provided, single submitter. Criteria: CeGaT Center For Human Genetics Tuebingen Variant Classification Criteria Version 2. Collection method: clinical testing. Allele origin: germline. Affected: yes. Observed: 1 variant allele.
Comment: ZNF608: BP4, BP7